The following is an entry in ClinVar:

NM_000092.5(COL4A4):c.1804-3C>T

Gene: COL4A4 (collagen type IV alpha 4 chain; minus strand). Cytogenetic location: 2q36.3.
Variant type: single nucleotide variant.
Coding change: c.1804-3C>T on transcript NM_000092.5 (MANE Select); 3 bases into the intron before coding-DNA position 1804, C replaced by T.
Molecular consequence: intron variant.
Genome position (GRCh38, 1-based): chr2:227,078,080, G>A on the plus strand (C>T on the coding strand, the complement: COL4A4 is on the minus strand). VCF-style: chr2-227078080-G-A. GRCh37 (hg19) VCF-style: chr2-227942796-G-A.
Identifiers: ClinVar variation 4774460 (VCV004774460.1).

ClinVar aggregate classification (germline): Uncertain significance (1 of 4 stars; one submission).

gnomAD v4.1: 3 of 1,613,764 alleles (0.00019%); highest among the groups gnomAD compares: Non-Finnish European, 0.00025%; no homozygotes.

Submission:

Labcorp Genetics (formerly Invitae), Labcorp
Classification: Uncertain significance. Last evaluated: 2025-05-18. Review status: criteria provided, single submitter. Criteria: Invitae Variant Classification Sherloc (09022015). Collection method: clinical testing. Allele origin: germline.
Comment: This sequence change falls in intron 24 of the COL4A4 gene. It does not directly change the encoded amino acid sequence of the COL4A4 protein. It affects a nucleotide within the consensus splice site. This variant is present in population databases (rs768554685, gnomAD 0.003%). This variant has not been reported in the literature in individuals affected with COL4A4-related conditions. Variants that disrupt the consensus splice site are a relatively common cause of aberrant splicing (PMID: 17576681, 9536098). Algorithms developed to predict the effect of sequence changes on RNA splicing suggest that this variant is not likely to affect RNA splicing. In summary, the available evidence is currently insufficient to determine the role of this variant in disease. Therefore, it has been classified as a Variant of Uncertain Significance.

Literature cited by the submitters: PubMed 17576681; PubMed 9536098.